The following is an entry in ClinVar:

NM_152296.5(ATP1A3):c.1333G>T (p.Ala445Ser)

Gene: ATP1A3 (ATPase Na+/K+ transporting subunit alpha 3; minus strand). Cytogenetic location: 19q13.2.
Variant type: single nucleotide variant.
Coding change: c.1333G>T on transcript NM_152296.5 (MANE Select); coding-DNA position 1333, G replaced by T.
Protein change: p.Ala445Ser; replaces alanine 445 with serine.
Molecular consequence: missense variant.
Genome position (GRCh38, 1-based): chr19:41,981,606, C>A on the plus strand (G>T on the coding strand, the complement: ATP1A3 is on the minus strand). VCF-style: chr19-41981606-C-A. GRCh37 (hg19) VCF-style: chr19-42485758-C-A.
Other names: c.1366G>T, p.Ala456Ser (NM_001256213.2); c.1372G>T, p.Ala458Ser (NM_001256214.2); short protein forms A458S, A445S, A456S.
Identifiers: ClinVar variation 1381470 (VCV001381470.6), dbSNP rs1555863376, ClinGen allele CA406049849.
Genomic context (GRCh38, chr19:41,981,606, plus strand): 5'-TGTTGCGTTCACGCATCAGCTTCACGGAGCCAGAGGACAGCTCGATGCACTTGAGCAGGG[C>A]AGACTCAGACGCATCCCCAGCCACATCCCTCTGCAAGGAGAAAGGGTTGTCAGAACAGGG-3'
Protein context (NP_689509.1, residues 435-455): RDVAGDASES[Ala445Ser]LLKCIELSSG

ClinVar aggregate classification (germline): Uncertain significance (1 of 4 stars; one submission).

Conditions:
Dystonia 12 (DYT12). Also called: Rapid-Onset Dystonia-Parkinsonism (RDP); DYT-ATP1A3. Identifiers: Orphanet 71517, MedGen C1868681, MONDO:0007496, OMIM 128235.

Allele frequency attached by ClinVar (database versions not stated): TOPMed below 0.00001; gnomAD 0.00001.
gnomAD v4.1: 1 of 1,614,058 alleles (0.000062%); highest among the groups gnomAD compares: African/African-American, 0.0013%; no homozygotes.

Submission:

Labcorp Genetics (formerly Invitae), Labcorp
Classification: Uncertain significance for Dystonia 12. Last evaluated: 2025-01-06. Review status: criteria provided, single submitter. Criteria: Invitae Variant Classification Sherloc (09022015). Collection method: clinical testing. Allele origin: germline.
Comment: This sequence change replaces alanine, which is neutral and non-polar, with serine, which is neutral and polar, at codon 445 of the ATP1A3 protein (p.Ala445Ser). This variant is present in population databases (no rsID available, gnomAD 0.01%). This variant has not been reported in the literature in individuals affected with ATP1A3-related conditions. ClinVar contains an entry for this variant (Variation ID: 1381470). Invitae Evidence Modeling of protein sequence and biophysical properties (such as structural, functional, and spatial information, amino acid conservation, physicochemical variation, residue mobility, and thermodynamic stability) indicates that this missense variant is expected to disrupt ATP1A3 protein function with a positive predictive value of 95%. In summary, the available evidence is currently insufficient to determine the role of this variant in disease. Therefore, it has been classified as a Variant of Uncertain Significance.